The following is an entry in ClinVar:

NM_001170629.2(CHD8):c.664A>G (p.Thr222Ala)

Gene: CHD8 (chromodomain helicase DNA binding protein 8; minus strand). Cytogenetic location: 14q11.2.
Variant type: single nucleotide variant.
Coding change: c.664A>G on transcript NM_001170629.2 (MANE Select); coding-DNA position 664, A replaced by G.
Protein change: p.Thr222Ala; replaces threonine 222 with alanine.
Molecular consequence: missense variant. On other transcripts: intron variant (1).
Genome position (GRCh38, 1-based): chr14:21,430,980, T>C on the plus strand (A>G on the coding strand, the complement: CHD8 is on the minus strand). VCF-style: chr14-21430980-T-C. GRCh37 (hg19) VCF-style: chr14-21899139-T-C.
Other names: c.6+831A>G (NM_020920.4); short protein forms T222A.
Identifiers: ClinVar variation 2093354 (VCV002093354.4), dbSNP rs2502014792, ClinGen allele CA388887580.

ClinVar aggregate classification (germline): Uncertain significance (1 of 4 stars; one submission).

Submission:

Labcorp Genetics (formerly Invitae), Labcorp
Classification: Uncertain significance. Last evaluated: 2022-03-20. Review status: criteria provided, single submitter. Criteria: Invitae Variant Classification Sherloc (09022015). Collection method: clinical testing. Allele origin: germline.
Comment: In summary, the available evidence is currently insufficient to determine the role of this variant in disease. Therefore, it has been classified as a Variant of Uncertain Significance. Algorithms developed to predict the effect of missense changes on protein structure and function output the following: SIFT: "Tolerated"; PolyPhen-2: "Benign"; Align-GVGD: "Class C0". The alanine amino acid residue is found in multiple mammalian species, which suggests that this missense change does not adversely affect protein function. This variant has not been reported in the literature in individuals affected with CHD8-related conditions. This variant is not present in population databases (gnomAD no frequency). This sequence change replaces threonine, which is neutral and polar, with alanine, which is neutral and non-polar, at codon 222 of the CHD8 protein (p.Thr222Ala).